The following is an entry in ClinVar:

ClinVar aggregate classification (germline): Pathogenic (1 of 4 stars; one submission).

Conditions:
Dilated cardiomyopathy 1DD (CMD1DD). Identifiers: Orphanet 154, MedGen C2750995, MONDO:0013168, OMIM 613172.

Submission:

Labcorp Genetics (formerly Invitae), Labcorp
Classification: Pathogenic for Dilated cardiomyopathy 1DD. Last evaluated: 2026-01-26. Review status: criteria provided, single submitter. Criteria: Invitae Variant Classification Sherloc (09022015). Collection method: clinical testing. Allele origin: germline.
Comment: This sequence change creates a premature translational stop signal (p.Val202*) in the RBM20 gene. It is expected to result in an absent or disrupted protein product. Loss-of-function variants in RBM20 are known to be pathogenic (PMID: 20590677, 22004663, 38288598, 38510713, 40339755). This variant is not present in population databases (gnomAD no frequency). This variant has not been reported in the literature in individuals affected with RBM20-related conditions. For these reasons, this variant has been classified as Pathogenic.

Literature cited by the submitters: PubMed 20590677; PubMed 22004663; PubMed 38288598; PubMed 38510713; PubMed 40339755.

NM_001134363.3(RBM20):c.604del (p.Gly201_Val202insTer)

Gene: RBM20 (RNA binding motif protein 20; plus strand). Cytogenetic location: 10q25.2.
Variant type: Deletion.
Coding change: c.604del on transcript NM_001134363.3 (MANE Select); coding-DNA position 604, one base deleted (G; older notation c.604delG).
Protein change: p.Gly201_Val202insTer.
Molecular consequence: nonsense.
Genome position (GRCh38, 1-based): chr10:110,781,213, G deleted; the last of 4 consecutive G bases (chr10:110,781,210-110,781,213); deleting any one gives the same sequence. VCF-style (leftmost placement, unchanged base first): chr10-110781209-TG-T. GRCh37 (hg19) VCF-style: chr10-112540967-TG-T.
Identifiers: ClinVar variation 4690729 (VCV004690729.1).